The following is an entry in ClinVar:

NM_025179.4(PLXNA2):c.105G>A (p.Met35Ile)

Gene: PLXNA2 (plexin A2; minus strand). Cytogenetic location: 1q32.2.
Variant type: single nucleotide variant.
Coding change: c.105G>A on transcript NM_025179.4 (MANE Select); coding-DNA position 105, G replaced by A.
Protein change: p.Met35Ile; replaces methionine 35 with isoleucine.
Molecular consequence: missense variant.
Genome position (GRCh38, 1-based): chr1:208,217,818, C>T on the plus strand (G>A on the coding strand, the complement: PLXNA2 is on the minus strand). VCF-style: chr1-208217818-C-T. GRCh37 (hg19) VCF-style: chr1-208391163-C-T.
Other names: short protein forms M35I.
Identifiers: ClinVar variation 4988584 (VCV004988584.1).
Genomic context (GRCh38, chr1:208,217,818, plus strand): 5'-GACGGTCAAGTGGTTGAAGGTCCAGTCACGATTCTCAGAGTGGAAGGTGCTGAACTGAGG[C>T]ATGCCGGCTGCTGGGGGGGCCAGCAGCACCCAGACCACTGAGAGCAGGACCACAGAGCGG-3'
Protein context (NP_079455.3, residues 25-45): WVLLAPPAAG[Met35Ile]PQFSTFHSEN

ClinVar aggregate classification (germline): Uncertain significance (1 of 4 stars; one submission).

Conditions:
PLXNA2-related disorder. Also called: PLXNA2-related condition.

gnomAD v4.1: 1 of 1,614,178 alleles (0.000062%); highest among the groups gnomAD compares: South Asian, 0.0011%; no homozygotes.

Submission:

PreventionGenetics, part of Exact Sciences
Classification: Uncertain significance for PLXNA2-related condition. Last evaluated: 2026-04-28. Review status: criteria provided, single submitter. Criteria: ACMG Guidelines, 2015. Collection method: clinical testing. Allele origin: germline.
Comment: The PLXNA2 c.105G>A variant is predicted to result in the amino acid substitution p.Met35Ile. To our knowledge, this variant has not been reported in the literature or in a large population database (gnomAD), indicating this variant is rare. At this time, the clinical significance of this variant is uncertain due to the absence of conclusive functional and genetic evidence.